The following is an entry in ClinVar:

ClinVar aggregate classification (germline): Uncertain significance (1 of 4 stars; one submission).

Conditions:
CACNA1I-related disorder. Also called: CACNA1I-related condition.

Submission:

PreventionGenetics, part of Exact Sciences
Classification: Uncertain significance for CACNA1I-related condition. Last evaluated: 2025-04-09. Review status: criteria provided, single submitter. Criteria: ACMG Guidelines, 2015. Collection method: clinical testing. Allele origin: germline.
Comment: The CACNA1I c.237-1C>T variant is predicted to interfere with splicing. Based on available splicing prediction programs (SpliceAI, Jaganathan et al. 2019. PubMed ID: 30661751), this variant is predicted to interfere with normal splicing; however, the use of computer prediction programs is not equivalent to functional evidence. To our knowledge, this variant has not been reported in the literature or in a large population database (gnomAD), indicating this variant is rare. To date, the clinical significance of loss of function variants within the CACNA1I gene is unknown; and, loss of function is not an established mechanism of CACNA1I-related disease. At this time, the clinical significance of this variant is uncertain due to the absence of conclusive functional and genetic evidence.

NM_021096.4(CACNA1I):c.237-1C>T

Gene: CACNA1I (calcium voltage-gated channel subunit alpha1 I; plus strand). Cytogenetic location: 22q13.1.
Variant type: single nucleotide variant.
Coding change: c.237-1C>T on transcript NM_021096.4 (MANE Select); the canonical splice acceptor site of the intron before coding-DNA position 237, C replaced by T.
Molecular consequence: splice acceptor variant.
Genome position (GRCh38, 1-based): chr22:39,598,150, C>T. VCF-style: chr22-39598150-C-T. GRCh37 (hg19) VCF-style: chr22-39994155-C-T.
Other names: c.237-1C>T (NM_001003406.2).
Identifiers: ClinVar variation 4986539 (VCV004986539.1).
Genomic context (GRCh38, chr22:39,598,150, plus strand): 5'-GGTGCACCCCAGCCCCCACGGGCGATCCCACCTGCTGCTTTGTCCTTGACTTGGTGTGCA[C>T]GTGGTTTGAATGTGTCAGCATGCTGGTGATCCTGCTGAACTGCGTGACACTTGGCATGTA-3'